The following is an entry in ClinVar:

ClinVar aggregate classification (germline): Uncertain significance (1 of 4 stars; one submission).

Submission:

GeneDx
Classification: Uncertain significance. Last evaluated: 2022-10-04. Review status: criteria provided, single submitter. Criteria: GeneDx Variant Classification Process June 2021. Collection method: clinical testing. Allele origin: germline. Affected: yes.
Comment: Not observed at significant frequency in large population cohorts (gnomAD); In silico analysis supports that this missense variant does not alter protein structure/function; Has not been previously published as pathogenic or benign to our knowledge

NM_001297595.2(SIN3B):c.1954C>G (p.Gln652Glu)

Gene: SIN3B (SIN3 transcription regulator family member B; plus strand). Cytogenetic location: 19p13.11.
Variant type: single nucleotide variant.
Coding change: c.1954C>G on transcript NM_001297595.2 (MANE Select); coding-DNA position 1954, C replaced by G.
Protein change: p.Gln652Glu; replaces glutamine 652 with glutamic acid.
Molecular consequence: missense variant.
Genome position (GRCh38, 1-based): chr19:16,869,607, C>G. VCF-style: chr19-16869607-C-G. GRCh37 (hg19) VCF-style: chr19-16980418-C-G.
Other names: c.724C>G, p.Gln242Glu (NM_001297597.2); c.2050C>G, p.Gln684Glu (NM_015260.4); short protein forms Q242E, Q652E, Q684E.
Identifiers: ClinVar variation 2497827 (VCV002497827.1), dbSNP rs2513069353, ClinGen allele CA404643217.
Genomic context (GRCh38, chr19:16,869,607, plus strand): 5'-GACGCAGCAGCGCTCATCAGCTACTACGTGAAGCGGCAGCCGGCCATCCAGAAGGAGGAC[C>G]AGGGCACCATCCACCAGCTGCTGCACCAGTTCGTGCCCAGCCTCTTCTTCTCTCAGCAGC-3'
Protein context (NP_001284524.1, residues 642-662): KRQPAIQKED[Gln652Glu]GTIHQLLHQF